The following is an entry in ClinVar:

ClinVar aggregate classification (germline): Uncertain significance (1 of 4 stars; one submission).

Conditions:
Cone dystrophy 4 (COD4). Identifiers: Orphanet 49382, MedGen C2751308, MONDO:0013129, OMIM 613093.

Submission:

MGZ Medical Genetics Center
Classification: Uncertain significance for Cone dystrophy 4. Last evaluated: 2021-10-27. Review status: criteria provided, single submitter. Criteria: ACMG Guidelines, 2015. Collection method: clinical testing. Allele origin: germline. Affected: yes. Observed: 1 variant allele.
Comment: ACMG criteria applied: PM2_SUP, PP3

NM_006204.4(PDE6C):c.2242C>A (p.Gln748Lys)

Gene: PDE6C (phosphodiesterase 6C; plus strand). Cytogenetic location: 10q23.33.
Variant type: single nucleotide variant.
Coding change: c.2242C>A on transcript NM_006204.4 (MANE Select); coding-DNA position 2242, C replaced by A.
Protein change: p.Gln748Lys; replaces glutamine 748 with lysine.
Molecular consequence: missense variant.
Genome position (GRCh38, 1-based): chr10:93,662,092, C>A. VCF-style: chr10-93662092-C-A. GRCh37 (hg19) VCF-style: chr10-95421849-C-A.
Other names: short protein forms Q748K.
Identifiers: ClinVar variation 1709850 (VCV001709850.2), dbSNP rs2492569460, ClinGen allele CA377627333.